The following is an entry in ClinVar:

ClinVar aggregate classification (germline): Pathogenic (1 of 4 stars; one submission).

Conditions:
Neurodevelopmental disorder with hypotonia, seizures, and absent language (NDHSAL). Identifiers: MedGen C4310643, MONDO:0014995, OMIM 617268.

Submission:

Watson Genetic Lab
Classification: Pathogenic for Neurodevelopmental disorder with hypotonia, seizures, and absent language. Last evaluated: 2025-02-20. Review status: criteria provided, single submitter. Criteria: ACMG Guidelines, 2015. Collection method: clinical testing. Allele origin: germline. Inheritance: Autosomal recessive inheritance. Affected: yes. Observed: 1 homozygote.
Comment: The NM_020760.4:c.3601_3602insT (p.Tyr1201Leufs*7) variant in HECW2 is a frameshift variant predicted to result in nonsense-mediated mRNA decay (NMD), consistent with a loss-of-function mechanism (PVS1). This variant is absent from the gnomAD database and our internal local database, supporting its rarity (PM2).

NM_001348768.2(HECW2):c.3601dup (p.Tyr1201fs)

Gene: HECW2 (HECT, C2 and WW domain containing E3 ubiquitin protein ligase 2; minus strand). Cytogenetic location: 2q32.3.
Variant type: Duplication.
Coding change: c.3601dup on transcript NM_001348768.2 (MANE Select); coding-DNA position 3601, one base duplicated (T; older notation c.3601dupT).
Protein change: p.Tyr1201fs; shifts the reading frame from tyrosine 1201.
Molecular consequence: frameshift variant.
Genome position (GRCh38, 1-based): chr2:196,242,133, A duplicated on the plus strand (T on the coding strand, the reverse complement: HECW2 is on the minus strand); the first of 4 consecutive A bases (chr2:196,242,133-196,242,136); duplicating any one gives the same sequence. VCF-style (leftmost placement, unchanged base first): chr2-196242132-T-TA. GRCh37 (hg19) VCF-style: chr2-197106856-T-TA.
Other names: c.2533dup, p.Tyr845fs (NM_001304840.3); c.3601dup, p.Tyr1201fs (NM_020760.4); short protein forms Y1201fs, Y845fs.
Identifiers: ClinVar variation 4072353 (VCV004072353.1).
Genomic context (GRCh38, chr2:196,242,132, plus strand): 5'-ACTTTGACTTACTTTAACTTCCCTGGGCCTTGTCCATATCCTTTAGTCTCTAACTTCCTG[T>TA]AAAAGTTCCTCAGTTTGGCTTCGAAATCCCGCTTGTAAGGGGCTGGAGCCCGGGCATTGG-3'